The following is an entry in ClinVar:

NM_002972.4(SBF1):c.2784C>T (p.Ala928=)

Gene: SBF1 (SET binding factor 1; minus strand). Cytogenetic location: 22q13.33.
Variant type: single nucleotide variant.
Coding change: c.2784C>T on transcript NM_002972.4 (MANE Select); coding-DNA position 2784, C replaced by T.
Protein change: p.Ala928=; no amino-acid change (alanine 928 retained).
Molecular consequence: synonymous variant.
Genome position (GRCh38, 1-based): chr22:50,461,578, G>A on the plus strand (C>T on the coding strand, the complement: SBF1 is on the minus strand). VCF-style: chr22-50461578-G-A. GRCh37 (hg19) VCF-style: chr22-50900007-G-A.
Other names: p.Ala928=; c.2787C>T, p.Ala929= (NM_001365819.1).
Identifiers: ClinVar variation 727641 (VCV000727641.38), dbSNP rs182040598, ClinGen allele CA10317058.

ClinVar aggregate classification (germline): Likely benign. Review status: criteria provided, multiple submitters, no conflicts (2 of 4 stars). 6 submissions from 6 submitters: Likely benign (6). Last evaluated 2026-03-01.

Conditions:
Charcot-Marie-Tooth disease type 4B3. Also called: CHARCOT-MARIE-TOOTH DISEASE, DEMYELINATING, TYPE 4B3; Charcot-Marie-Tooth Neuropathy Type 4B3. Identifiers: Orphanet 363981, MedGen C3695063, MONDO:0014117, OMIM 615284.

Allele frequency attached by ClinVar (database versions not stated): ExAC 0.00079; 1000 Genomes Project 0.00080; gnomAD exomes 0.00082 and 0.00121; ESP Exome Variant Server 0.00088; gnomAD 0.00090 and 0.00092; 1000 Genomes Project 30x 0.00094; TOPMed 0.00101.

Submissions (6):

CeGaT Center for Human Genetics Tuebingen
Classification: Likely benign. Last evaluated: 2026-03-01. Review status: criteria provided, single submitter. Criteria: CeGaT Center For Human Genetics Tuebingen Variant Classification Criteria Version 2. Collection method: clinical testing. Allele origin: germline. Affected: yes. Observed: 3 variant alleles.
Comment: SBF1: BP4, BP7

Labcorp Genetics (formerly Invitae), Labcorp
Classification: Likely benign. Last evaluated: 2026-01-24. Review status: criteria provided, single submitter. Criteria: Invitae Variant Classification Sherloc (09022015). Collection method: clinical testing. Allele origin: germline.

Blueprint Genetics
Classification: Likely benign. Last evaluated: 2024-10-31. Review status: criteria provided, single submitter. Criteria: ACMG Guidelines, 2015. Collection method: clinical testing. Allele origin: germline.

Mayo Clinic Laboratories, Mayo Clinic
Classification: Likely benign. Last evaluated: 2024-04-23. Review status: criteria provided, single submitter. Criteria: ACMG Guidelines, 2015. Collection method: clinical testing. Allele origin: germline. Observed: 3 variant alleles.
Comment: BP4, BP7

ARUP Laboratories, Molecular Genetics and Genomics, ARUP Laboratories
Classification: Likely benign for Charcot-Marie-Tooth disease type 4B3. Last evaluated: 2023-12-19. Review status: criteria provided, single submitter. Criteria: ARUP Molecular Germline Variant Investigation Process 2024. Collection method: clinical testing. Allele origin: germline.

GeneDx
Classification: Likely benign. Last evaluated: 2020-12-15. Review status: criteria provided, single submitter. Criteria: GeneDx Variant Classification Process June 2021. Collection method: clinical testing. Allele origin: germline. Affected: yes.